The following is an entry in ClinVar:

ClinVar aggregate classification (germline): Pathogenic (1 of 4 stars; one submission).

Conditions:
Joubert syndrome. Also called: JOUBERT-BOLTSHAUSER SYNDROME; Familial aplasia of the vermis. Identifiers: Orphanet 475, MedGen C5979921, MONDO:0018772.
Meckel-Gruber syndrome. Also called: DYSENCEPHALIA SPLANCHNOCYSTICA; GRUBER SYNDROME; Dysencephalia splachnocystica. Identifiers: Orphanet 564, MedGen C0265215, MONDO:0018921.

Submission:

Labcorp Genetics (formerly Invitae), Labcorp
Classification: Pathogenic for Joubert syndrome; Meckel-Gruber syndrome. Last evaluated: 2023-11-27. Review status: criteria provided, single submitter. Criteria: Invitae Variant Classification Sherloc (09022015). Collection method: clinical testing. Allele origin: germline.
Comment: This sequence change creates a premature translational stop signal (p.Glu1481Lysfs*3) in the CC2D2A gene. It is expected to result in an absent or disrupted protein product. Loss-of-function variants in CC2D2A are known to be pathogenic (PMID: 19777577). This variant is not present in population databases (gnomAD no frequency). This variant has not been reported in the literature in individuals affected with CC2D2A-related conditions. For these reasons, this variant has been classified as Pathogenic.

Literature cited by the submitters: PubMed 19777577.

NM_001378615.1(CC2D2A):c.4440del (p.Glu1481fs)

Genes: CC2D2A (coiled-coil and C2 domain containing 2A; plus strand), FBXL5 (F-box and leucine rich repeat protein 5; minus strand). Cytogenetic location: 4p15.32.
Variant type: Deletion.
Coding change: c.4440del on transcript NM_001378615.1 (MANE Select); coding-DNA position 4440, one base deleted (T; older notation c.4440delT).
Protein change: p.Glu1481fs; shifts the reading frame from glutamic acid 1481.
Molecular consequence: frameshift variant.
Genome position (GRCh38, 1-based): chr4:15,597,409, T deleted. VCF-style (leftmost placement, unchanged base first): chr4-15597408-CT-C. GRCh37 (hg19) VCF-style: chr4-15599031-CT-C.
Other names: c.4440del, p.Glu1481fs (NM_001080522.2); c.4293del, p.Glu1432fs (NM_001378617.1); short protein forms E1481fs, E1432fs.
Identifiers: ClinVar variation 2954016 (VCV002954016.3), dbSNP rs2475148033, ClinGen allele CA2740091256.
Genomic context (GRCh38, chr4:15,597,408, plus strand): 5'-GATGTTCAAATTAACTGTAGGTGATTTTTATACTTTCTGAACTATTTTCTCTTCTATAGC[CT>C]GAAGAGCTAATTTACCAGCGCTCAGACAAAGCAGCTGCAGCTGAGCTACAAGACAGGTAA-3'